The following is an entry in ClinVar:

NM_024740.2(ALG9):c.65_66insTC (p.Ala23fs)

Genes: ALG9 (ALG9 alpha-1,2-mannosyltransferase; minus strand), LOC130006752 (ATAC-STARR-seq lymphoblastoid silent region 3902; plus strand). Cytogenetic location: 11q23.1.
Variant type: Insertion.
Coding change: c.65_66insTC on transcript NM_024740.2 (MANE Select); coding-DNA positions 65 to 66, TC inserted.
Protein change: p.Ala23fs; shifts the reading frame from alanine 23.
Molecular consequence: frameshift variant. On other transcripts: 5 prime UTR variant (3).
Genome position: GRCh38 VCF-style: chr11-111871417-C-CGA. GRCh37 (hg19) VCF-style: chr11-111742140-C-CGA.
Other names: c.65_66insTC, p.Ala23fs (NM_001077690.1, NM_001352417.1, NM_001352418.1); c.-310_-309insTC (NM_001352409.1); c.-453_-452insTC (NM_001352410.1, NM_001352413.1); short protein forms A23fs.
Identifiers: ClinVar variation 3066316 (VCV003066316.1), dbSNP rs2497784482, ClinGen allele CA2740098014.

ClinVar aggregate classification (germline): Likely pathogenic (1 of 4 stars; one submission).

Conditions:
ALG9 congenital disorder of glycosylation (CDG1L). Also called: CONGENITAL DISORDER OF GLYCOSYLATION, TYPE Il; CDG Il; ALG9-CDG. Identifiers: Orphanet 79328, MedGen C2931006, MONDO:0012117, OMIM 608776.

Submission:

MVZ Medizinische Genetik Mainz
Classification: Likely pathogenic for ALG9 congenital disorder of glycosylation. Last evaluated: 2023-02-08. Review status: criteria provided, single submitter. Criteria: UK Practice Guidelines For Variant Classification V4 01 2020. Collection method: clinical testing. Allele origin: germline. Inheritance: Autosomal dominant inheritance. Affected: yes. Observed: 1 variant allele.
Comment: ACMG Criteria: PVS1, PM2_SUP (ACMG Version 4)